The following is an entry in ClinVar:

ClinVar aggregate classification (germline): Uncertain significance (1 of 4 stars; one submission).

Conditions:
Combined immunodeficiency due to DOCK8 deficiency (HIES2). Also called: Hyper-IgE recurrent infection syndrome, autosomal recessive; HIES autosomal recessive; HYPER-IgE SYNDROME 2, AUTOSOMAL RECESSIVE, WITH RECURRENT INFECTIONS; DOCK8 Deficiency; HYPER-IgE RECURRENT INFECTION SYNDROME 2, AUTOSOMAL RECESSIVE. Identifiers: Orphanet 217390, MedGen C4722305, MONDO:0009478, OMIM 243700.

Allele frequency attached by ClinVar (database versions not stated): gnomAD 0.00001.
gnomAD v4.1: 13 of 1,613,936 alleles (0.00081%); highest among the groups gnomAD compares: African/African-American, 0.0027%; no homozygotes.

Submission:

Labcorp Genetics (formerly Invitae), Labcorp
Classification: Uncertain significance for Combined immunodeficiency due to DOCK8 deficiency. Last evaluated: 2022-03-18. Review status: criteria provided, single submitter. Criteria: Invitae Variant Classification Sherloc (09022015). Collection method: clinical testing. Allele origin: germline.
Comment: This variant is present in population databases (no rsID available, gnomAD 0.003%). This sequence change replaces alanine, which is neutral and non-polar, with threonine, which is neutral and polar, at codon 1144 of the DOCK8 protein (p.Ala1144Thr). This variant has not been reported in the literature in individuals affected with DOCK8-related conditions. Algorithms developed to predict the effect of missense changes on protein structure and function are either unavailable or do not agree on the potential impact of this missense change (SIFT: "Deleterious"; PolyPhen-2: "Benign"; Align-GVGD: "Class C0"). In summary, the available evidence is currently insufficient to determine the role of this variant in disease. Therefore, it has been classified as a Variant of Uncertain Significance.

NM_203447.4(DOCK8):c.3430G>A (p.Ala1144Thr)

Gene: DOCK8 (dedicator of cytokinesis 8; plus strand). Cytogenetic location: 9p24.3.
Variant type: single nucleotide variant.
Coding change: c.3430G>A on transcript NM_203447.4 (MANE Select); coding-DNA position 3430, G replaced by A.
Protein change: p.Ala1144Thr; replaces alanine 1144 with threonine.
Molecular consequence: missense variant.
Genome position (GRCh38, 1-based): chr9:406,969, G>A. VCF-style: chr9-406969-G-A. GRCh37 (hg19) VCF-style: chr9-406969-G-A.
Other names: c.3130G>A, p.Ala1044Thr (NM_001190458.2); c.3226G>A, p.Ala1076Thr (NM_001193536.2); short protein forms A1076T, A1144T, A1044T.
Identifiers: ClinVar variation 1988326 (VCV001988326.4), dbSNP rs1030455029, ClinGen allele CA187767182.